The following is an entry in ClinVar:

ClinVar aggregate classification (germline): Uncertain significance (1 of 4 stars; one submission).

Submission:

GeneDx
Classification: Uncertain significance. Last evaluated: 2025-03-11. Review status: criteria provided, single submitter. Criteria: GeneDx Variant Classification Process June 2021. Collection method: clinical testing. Allele origin: germline.
Comment: Not observed at significant frequency in large population cohorts (gnomAD); Nonsense variant predicted to result in protein truncation or nonsense mediated decay in a gene or region of a gene for which loss of function is not a well-established mechanism of disease; Has not been previously published as pathogenic or benign to our knowledge

NM_022575.4(VPS16):c.1525C>T (p.Gln509Ter)

Gene: VPS16 (VPS16 core subunit of CORVET and HOPS complexes; plus strand). Cytogenetic location: 20p13.
Variant type: single nucleotide variant.
Coding change: c.1525C>T on transcript NM_022575.4 (MANE Select); coding-DNA position 1525, C replaced by T.
Protein change: p.Gln509Ter; replaces glutamine 509 with a stop codon.
Molecular consequence: nonsense.
Genome position (GRCh38, 1-based): chr20:2,863,997, C>T. VCF-style: chr20-2863997-C-T. GRCh37 (hg19) VCF-style: chr20-2844643-C-T.
Other names: c.1093C>T, p.Gln365Ter (NM_080413.3); short protein forms Q365*, Q509*.
Identifiers: ClinVar variation 3365620 (VCV003365620.2).